The following is an entry in ClinVar:

NM_005591.4(MRE11):c.1811G>C (p.Arg604Pro)

Gene: MRE11 (MRE11 double strand break repair nuclease; minus strand). Cytogenetic location: 11q21.
Variant type: single nucleotide variant.
Coding change: c.1811G>C on transcript NM_005591.4 (MANE Select); coding-DNA position 1811, G replaced by C.
Protein change: p.Arg604Pro; replaces arginine 604 with proline.
Molecular consequence: missense variant. On other transcripts: intron variant (1).
Genome position (GRCh38, 1-based): chr11:94,445,866, C>G on the plus strand (G>C on the coding strand, the complement: MRE11 is on the minus strand). VCF-style: chr11-94445866-C-G. GRCh37 (hg19) VCF-style: chr11-94179032-C-G.
Other names: p.R604P:CGT>CCT; c.1808G>C, p.Arg603Pro (NM_001330347.2); c.1783+1353G>C (NM_005590.4); short protein forms R604P, R603P.
Identifiers: ClinVar variation 127977 (VCV000127977.28), dbSNP rs148637964, ClinGen allele CA331840.
Genomic context (GRCh38, chr11:94,445,866, plus strand): 5'-TCACCATCTATAATAGACATATTTCTAGATGCTGACACAGCAGTCTTTGAGTTCCTGCTA[C>G]GGGTAGAAGTCTCCAGACCAGTGTCTGCTGTTAGAAAAATGAACAGTCAATGTACAAGCC-3'
Protein context (NP_005582.1, residues 594-614): RADTGLETST[Arg604Pro]SRNSKTAVSA

ClinVar aggregate classification (germline): Conflicting classifications of pathogenicity. Review status: criteria provided, conflicting classifications (1 of 4 stars). 8 submissions from 8 submitters: Uncertain significance (4); Likely benign (3). 1 of the submissions does not count toward it. Last evaluated 2025-10-27.

Conditions:
Ataxia-telangiectasia-like disorder (ATLD). Identifiers: MedGen C1858391, MONDO:0011457.
MRE11-related disorder. Also called: MRE11-related condition.
Hereditary cancer-predisposing syndrome. Also called: Hereditary neoplastic syndrome; Neoplastic Syndromes, Hereditary; Hereditary Cancer Syndrome; Tumor predisposition. Identifiers: Orphanet 140162, MedGen C0027672, MeSH D009386, MONDO:0015356.

Allele frequency attached by ClinVar (database versions not stated): 1000 Genomes Project 30x 0.00031; 1000 Genomes Project 0.00040; TOPMed 0.00061.
gnomAD v4.1: 166 of 1,613,744 alleles (0.01%); highest among the groups gnomAD compares: African/African-American, 0.19%; 2 homozygotes.

Submissions (8):

GeneDx
Classification: Uncertain significance. Last evaluated: 2025-10-27. Review status: criteria provided, single submitter. Criteria: GeneDx Variant Classification Process June 2021. Collection method: clinical testing. Allele origin: germline. Affected: yes.
Comment: In silico analysis suggests that this missense variant does not alter protein structure/function; Has not been previously published as pathogenic or benign to our knowledge

Athena Diagnostics
Classification: Likely benign. Last evaluated: 2024-09-10. Review status: criteria provided, single submitter. Criteria: Athena Diagnostics Criteria. Collection method: clinical testing. Allele origin: unknown.

Women's Health and Genetics/Laboratory Corporation of America, LabCorp
Classification: Likely benign. Last evaluated: 2024-08-09. Review status: criteria provided, single submitter. Criteria: LabCorp Variant Classification Summary - May 2015. Collection method: clinical testing. Allele origin: germline.
Comment: Variant summary: MRE11A c.1811G>C (p.Arg604Pro) results in a non-conservative amino acid change in the encoded protein sequence. Four of five in-silico tools predict a benign effect of the variant on protein function. The variant allele was found at a frequency of 0.0001 in 1613744 control chromosomes, predominantly at a frequency of 0.0019 within the African or African-American subpopulation in the gnomAD database, including 2 homozygotes. The observed variant frequency within African or African-American control individuals in the gnomAD database is approximately 1.44 fold of the estimated maximal expected allele frequency for a pathogenic variant in MRE11A causing Ataxia Telangiectasia-Like Disorder phenotype (0.0013). To our knowledge, no occurrence of c.1811G>C in individuals affected with MRE11A-related conditions and no experimental evidence demonstrating its impact on protein function have been reported. ClinVar contains an entry for this variant (Variation ID: 127977). Based on the evidence outlined above, the variant was classified as likely benign.

Labcorp Genetics (formerly Invitae), Labcorp
Classification: Uncertain significance for Ataxia-telangiectasia-like disorder. Last evaluated: 2024-01-12. Review status: criteria provided, single submitter. Criteria: Invitae Variant Classification Sherloc (09022015). Collection method: clinical testing. Allele origin: germline.
Comment: This sequence change replaces arginine, which is basic and polar, with proline, which is neutral and non-polar, at codon 604 of the MRE11 protein (p.Arg604Pro). This variant is present in population databases (rs148637964, gnomAD 0.1%), including at least one homozygous and/or hemizygous individual. This variant has not been reported in the literature in individuals affected with MRE11-related conditions. ClinVar contains an entry for this variant (Variation ID: 127977). An algorithm developed to predict the effect of missense changes on protein structure and function (PolyPhen-2) suggests that this variant¬†is likely to be tolerated. In summary, the available evidence is currently insufficient to determine the role of this variant in disease. Therefore, it has been classified as a Variant of Uncertain Significance.

Sema4
Classification: Uncertain significance for Hereditary cancer-predisposing syndrome. Last evaluated: 2021-09-10. Review status: criteria provided, single submitter. Criteria: Sema4 Curation Guidelines. Collection method: curation. Allele origin: germline.
Comment: To the best of our knowledge, the MRE11 c.1811G>C (p.R604P) variant has not been reported in individuals with MRE11-related disease. In a breast cancer case-control study, it was identified in a healthy control (PMID: 33471991). It was observed in 37/24962 chromosomes of the African/African American subpopulation, with one homozygote, in the large and broad cohorts of the Genome Aggregation Database (PMID: 32461654). The variant has been reported in ClinVar (Variation ID: 127977). Functional studies have not been performed, and in silico predictions of the variant's effect on protein function are inconclusive. The evidence is insufficient to meet ACMG/AMP criteria for classifying the variant as benign or pathogenic. Thus, the clinical significance of this variant is currently uncertain.

Ambry Genetics
Classification: Likely benign for Hereditary cancer-predisposing syndrome. Last evaluated: 2018-08-30. Review status: criteria provided, single submitter. Criteria: Ambry Variant Classification Scheme 2023. Collection method: clinical testing. Allele origin: germline.

ARUP Laboratories, Molecular Genetics and Genomics, ARUP Laboratories
Classification: Uncertain significance. Last evaluated: 2017-01-24. Review status: criteria provided, single submitter. Criteria: ARUP Molecular Germline Variant Investigation Process. Collection method: clinical testing. Allele origin: germline.

PreventionGenetics, part of Exact Sciences
Classification: Uncertain significance for MRE11-related condition. Last evaluated: 2024-06-07. Review status: no assertion criteria provided. Collection method: clinical testing. Allele origin: germline. Not counted in ClinVar's aggregate classification.
Comment: The MRE11 c.1811G>C variant is predicted to result in the amino acid substitution p.Arg604Pro. To our knowledge, this variant has not been reported in the literature. This variant is reported in 0.15% of alleles in individuals of African descent in gnomAD, including one homozygous individual and has conflicting interpretations regarding its pathogenicity in ClinVar, ranging from likely benign to uncertain. Although we suspect that this variant may be benign, at this time, the clinical significance of this variant is uncertain due to the absence of conclusive functional and genetic evidence.

Literature cited by the submitters: PubMed 33471991 (cited by Athena Diagnostics and Sema4); PubMed 23028188 (cited by Athena Diagnostics).